The following is an entry in ClinVar:

ClinVar aggregate classification (germline): Benign/Likely benign. Review status: criteria provided, multiple submitters, no conflicts (2 of 4 stars). 2 submissions from 2 submitters: Benign (1); Likely benign (1). Last evaluated 2026-01-21.

Allele frequency attached by ClinVar (database versions not stated): ESP Exome Variant Server 0.00019; gnomAD exomes 0.00029 and 0.00060; gnomAD 0.00037; ExAC 0.00040; TOPMed 0.00048.
gnomAD v4.1: 399 of 1,209,156 alleles (0.033%); highest among the groups gnomAD compares: Admixed American, 0.026%; 1 homozygote.

Submissions (3):

Labcorp Genetics (formerly Invitae), Labcorp
Classification: Benign. Last evaluated: 2026-01-21. Review status: criteria provided, single submitter. Criteria: Invitae Variant Classification Sherloc (09022015). Collection method: clinical testing. Allele origin: germline.

CeGaT Center for Human Genetics Tuebingen
Classification: Likely benign. Last evaluated: 2023-02-01. Review status: criteria provided, single submitter. Criteria: CeGaT Center For Human Genetics Tuebingen Variant Classification Criteria Version 2. Collection method: clinical testing. Allele origin: germline. Affected: yes. Observed: 2 variant alleles.
Comment: CLCN4: BP4, BP7, BS2

Dr. Peter K. Rogan Lab, Western University
No classification provided (evidence only). Condition: Gastric cancer. Review status: no classification provided. Collection method: in vitro. Allele origin: not applicable. Functional consequence: retained intron. Not counted in ClinVar's aggregate classification.

NM_001830.4(CLCN4):c.747G>A (p.Glu249=)

Gene: CLCN4 (Cl-/H+ antiporter 4; plus strand). Cytogenetic location: Xp22.2.
Variant type: single nucleotide variant.
Coding change: c.747G>A on transcript NM_001830.4 (MANE Select); coding-DNA position 747, G replaced by A.
Protein change: p.Glu249=; no amino-acid change (glutamic acid 249 retained).
Molecular consequence: synonymous variant.
Genome position (GRCh38, 1-based): chrX:10,206,549, G>A. VCF-style: chrX-10206549-G-A. GRCh37 (hg19) VCF-style: chrX-10174589-G-A.
Other names: c.465G>A, p.Glu155= (NM_001256944.2).
Identifiers: ClinVar variation 415736 (VCV000415736.46), dbSNP rs143534990, ClinGen allele CA10347116.